The following is an entry in ClinVar:

NM_182914.3(SYNE2):c.7889C>A (p.Thr2630Asn)

Gene: SYNE2 (spectrin repeat containing nuclear envelope protein 2; plus strand). Cytogenetic location: 14q23.2.
Variant type: single nucleotide variant.
Coding change: c.7889C>A on transcript NM_182914.3 (MANE Select); coding-DNA position 7889, C replaced by A.
Protein change: p.Thr2630Asn; replaces threonine 2630 with asparagine.
Molecular consequence: missense variant.
Genome position (GRCh38, 1-based): chr14:64,051,802, C>A. VCF-style: chr14-64051802-C-A. GRCh37 (hg19) VCF-style: chr14-64518520-C-A.
Other names: c.7889C>A, p.Thr2630Asn (NM_015180.6); short protein forms T2630N.
Identifiers: ClinVar variation 653237 (VCV000653237.9), dbSNP rs1595152259, ClinGen allele CA389961810.

ClinVar aggregate classification (germline): Uncertain significance. Review status: criteria provided, multiple submitters, no conflicts (2 of 4 stars). 2 submissions from 2 submitters: Uncertain significance (2). Last evaluated 2025-10-24.

Conditions:
Emery-Dreifuss muscular dystrophy 5, autosomal dominant (EDMD5). Also called: EMERY-DREIFUSS MUSCULAR DYSTROPHY 5. Identifiers: Orphanet 261, MedGen C2751805, MONDO:0013072, OMIM 612999.

Submissions (2):

Ambry Genetics
Classification: Uncertain significance. Last evaluated: 2025-10-24. Review status: criteria provided, single submitter. Criteria: Ambry Variant Classification Scheme 2023. Collection method: clinical testing. Allele origin: germline.

Labcorp Genetics (formerly Invitae), Labcorp
Classification: Uncertain significance for Emery-Dreifuss muscular dystrophy 5, autosomal dominant. Last evaluated: 2022-06-04. Review status: criteria provided, single submitter. Criteria: Invitae Variant Classification Sherloc (09022015). Collection method: clinical testing. Allele origin: germline.
Comment: In summary, the available evidence is currently insufficient to determine the role of this variant in disease. Therefore, it has been classified as a Variant of Uncertain Significance. Algorithms developed to predict the effect of missense changes on protein structure and function (SIFT, PolyPhen-2, Align-GVGD) all suggest that this variant is likely to be tolerated. ClinVar contains an entry for this variant (Variation ID: 653237). This variant has not been reported in the literature in individuals affected with SYNE2-related conditions. This variant is not present in population databases (gnomAD no frequency). This sequence change replaces threonine, which is neutral and polar, with asparagine, which is neutral and polar, at codon 2630 of the SYNE2 protein (p.Thr2630Asn).